The following is an entry in ClinVar:

ClinVar aggregate classification (germline): Uncertain significance (1 of 4 stars; one submission).

Conditions:
Charcot-Marie-Tooth disease type 4A. Also called: Charcot-Marie-Tooth disease, demyelinating, autosomal recessive, type 4a. Identifiers: Orphanet 99948, MedGen C1859198, MONDO:0008961, OMIM 214400.

Submission:

Labcorp Genetics (formerly Invitae), Labcorp
Classification: Uncertain significance for Charcot-Marie-Tooth disease type 4A. Last evaluated: 2022-07-15. Review status: criteria provided, single submitter. Criteria: Invitae Variant Classification Sherloc (09022015). Collection method: clinical testing. Allele origin: germline.
Comment: This sequence change replaces glutamic acid, which is acidic and polar, with glutamine, which is neutral and polar, at codon 84 of the GDAP1 protein (p.Glu84Gln). This variant is not present in population databases (gnomAD no frequency). This variant has not been reported in the literature in individuals affected with GDAP1-related conditions. Advanced modeling of protein sequence and biophysical properties (such as structural, functional, and spatial information, amino acid conservation, physicochemical variation, residue mobility, and thermodynamic stability) performed at Invitae indicates that this missense variant is expected to disrupt GDAP1 protein function. In summary, the available evidence is currently insufficient to determine the role of this variant in disease. Therefore, it has been classified as a Variant of Uncertain Significance.

NM_018972.4(GDAP1):c.250G>C (p.Glu84Gln)

Gene: GDAP1 (ganglioside induced differentiation associated protein 1; plus strand). Cytogenetic location: 8q21.11.
Variant type: single nucleotide variant.
Coding change: c.250G>C on transcript NM_018972.4 (MANE Select); coding-DNA position 250, G replaced by C.
Protein change: p.Glu84Gln; replaces glutamic acid 84 with glutamine.
Molecular consequence: missense variant. On other transcripts: intron variant (2).
Genome position (GRCh38, 1-based): chr8:74,351,406, G>C. VCF-style: chr8-74351406-G-C. GRCh37 (hg19) VCF-style: chr8-75263641-G-C.
Other names: c.46G>C, p.Glu16Gln (NM_001040875.4); c.250G>C, p.Glu84Gln (NM_001362930.2, NM_001362931.2); c.-18+85G>C (NM_001362929.2); c.-18+828G>C (NM_001362932.2); short protein forms E16Q, E84Q.
Identifiers: ClinVar variation 1714960 (VCV001714960.5), dbSNP rs1808867656, ClinGen allele CA371499528.
Genomic context (GRCh38, chr8:74,351,406, plus strand): 5'-AATGAGCCTTGGTTTATGCGTTTGAACTCAACTGGAGAAGTGCCTGTCCTTATCCACGGG[G>C]AAAACATAATTTGTGAGGCCACTCAGATCATTGATTATCTTGAACAGACTTTCCTGGATG-3'
Protein context (NP_061845.2, residues 74-94): TGEVPVLIHG[Glu84Gln]NIICEATQII